The following is an entry in ClinVar:

ClinVar aggregate classification (germline): Benign. Review status: criteria provided, multiple submitters, no conflicts (2 of 4 stars). 3 submissions from 3 submitters: Benign (2). 1 of the submissions does not count toward it. Last evaluated 2021-01-14.

Conditions:
BAZ2B-related disorder. Also called: BAZ2B-related condition.

Allele frequency attached by ClinVar (database versions not stated): ESP Exome Variant Server 0.01138; gnomAD 0.01289 and 0.01493; TOPMed 0.01410; gnomAD exomes 0.01704 and 0.02419; ExAC 0.02365; 1000 Genomes Project 30x 0.03373; 1000 Genomes Project 0.03654.
gnomAD v4.1: 27,263 of 1,614,156 alleles (1.7%); highest among the groups gnomAD compares: East Asian, 13%; 590 homozygotes.

Submissions (3):

GeneDx
Classification: Benign. Last evaluated: 2021-01-14. Review status: criteria provided, single submitter. Criteria: GeneDx Variant Classification Process June 2021. Collection method: clinical testing. Allele origin: germline. Affected: yes.

Breakthrough Genomics
Classification: Benign. Review status: criteria provided, single submitter. Criteria: ACMG Guidelines, 2015. Collection method: not provided. Allele origin: germline. Inheritance: Unknown mechanism. Affected: yes.

PreventionGenetics, part of Exact Sciences
Classification: Benign for BAZ2B-related condition. Last evaluated: 2019-03-04. Review status: no assertion criteria provided. Collection method: clinical testing. Allele origin: germline. Not counted in ClinVar's aggregate classification.
Comment: This variant is classified as benign based on ACMG/AMP sequence variant interpretation guidelines (Richards et al. 2015 PMID: 25741868, with internal and published modifications).

NM_013450.4(BAZ2B):c.1589C>T (p.Pro530Leu)

Gene: BAZ2B (bromodomain adjacent to zinc finger domain 2B; minus strand). Cytogenetic location: 2q24.2.
Variant type: single nucleotide variant.
Coding change: c.1589C>T on transcript NM_013450.4 (MANE Select); coding-DNA position 1589, C replaced by T.
Protein change: p.Pro530Leu; replaces proline 530 with leucine.
Molecular consequence: missense variant.
Genome position (GRCh38, 1-based): chr2:159,433,068, G>A on the plus strand (C>T on the coding strand, the complement: BAZ2B is on the minus strand). VCF-style: chr2-159433068-G-A. GRCh37 (hg19) VCF-style: chr2-160289579-G-A.
Other names: c.1583C>T, p.Pro528Leu (NM_001289975.1); c.1400C>T, p.Pro467Leu (NM_001329857.2); c.1589C>T, p.Pro530Leu (NM_001329858.2); short protein forms P467L, P528L, P530L.
Identifiers: ClinVar variation 1275346 (VCV001275346.4), dbSNP rs3732287, ClinGen allele CA1924884.